The following is an entry in ClinVar:

ClinVar aggregate classification (germline): Uncertain significance. Review status: criteria provided, single submitter (1 of 4 stars). 2 submissions from 2 submitters: Uncertain significance (1). 1 of the submissions does not count toward it. Last evaluated 2025-05-20.

Conditions:
Aicardi-Goutieres syndrome 9. Identifiers: MedGen C5561966, MONDO:0030362, OMIM 619487.

gnomAD v4.1: 40 of 932,280 alleles (0.0043%); highest among the groups gnomAD compares: African/African-American, 0.012%; no homozygotes.

Submissions (2):

Women's Health and Genetics/Laboratory Corporation of America, LabCorp
Classification: Uncertain significance. Last evaluated: 2025-05-20. Review status: criteria provided, single submitter. Criteria: LabCorp Variant Classification Summary - May 2015. Collection method: clinical testing. Allele origin: germline.
Comment: Variant summary: RNU7-1 n.41T>G alters a nucleotide in the non-coding RNA. The variant allele was found at a frequency of 9.6e-05 in 31396 control chromosomes (gnomAD). The available data on variant occurrences in the general population are insufficient to allow any conclusion about variant significance. n.41T>G has been observed in one individual affected with Aicardi-Goutieres syndrome 9 (Uggenti_2020). These data do not allow any conclusion about variant significance. To our knowledge, no experimental evidence demonstrating an impact on protein function has been reported. The following publications have been ascertained in the context of this evaluation (PMID: 36651276, 33230297). ClinVar contains an entry for this variant (Variation ID: 1202614). Based on the evidence outlined above, the variant was classified as uncertain significance.

OMIM
Classification: Pathogenic for AICARDI-GOUTIERES SYNDROME 9. Last evaluated: 2021-08-16. Review status: no assertion criteria provided. Collection method: literature only. Allele origin: germline. Not counted in ClinVar's aggregate classification.

Literature cited by the submitters: PubMed 36651276 (cited by Women's Health and Genetics/Laboratory Corporation of America, LabCorp); PubMed 33230297 (cited by Women's Health and Genetics/Laboratory Corporation of America, LabCorp and OMIM).

NR_023317.1(RNU7-1):n.41T>G

Genes: RNU7-1 (RNA, U7 small nuclear 1; plus strand), C12orf57 (chromosome 12 open reading frame 57; plus strand). Cytogenetic location: 12p13.31.
Variant type: single nucleotide variant.
Molecular consequence: non-coding transcript variant (on NR_023317.1). On other transcripts: intron variant (2).
Genome position: GRCh38 VCF-style: chr12-6943856-T-G. GRCh37 (hg19) VCF-style: chr12-7053019-T-G.
Other names: 41T-G; c.13+194T>G (NM_001301836.2); c.-16+194T>G (NM_001301834.1).
Identifiers: ClinVar variation 1202614 (VCV001202614.3), dbSNP rs782444004, ClinGen allele CA383743503.